The following is an entry in ClinVar:

ClinVar aggregate classification (germline): not provided (0 of 4 stars; one submission).

Conditions:
Hyperimmunoglobulin D with periodic fever (HIDS). Also called: HYPERIMMUNOGLOBULINEMIA D AND PERIODIC FEVER SYNDROME; Hyperimmunoglobulinemia D; Hyperimmunoglobulinemia D with periodic fever. Identifiers: Orphanet 343, MedGen C0398691, MONDO:0009849, OMIM 260920.

Allele frequency attached by ClinVar (database versions not stated): gnomAD exomes 0.00023; gnomAD 0.00038; TOPMed 0.00052; 1000 Genomes Project 30x 0.00078; 1000 Genomes Project 0.00100.
gnomAD v4.1: 418 of 1,597,460 alleles (0.026%); highest among the groups gnomAD compares: East Asian, 0.44%; no homozygotes.

Submission:

Unité médicale des maladies autoinflammatoires, CHRU Montpellier
No classification provided. Condition: Hyperimmunoglobulin D with periodic fever. Review status: no classification provided. Collection method: not provided. Allele origin: unknown.
Comment: also involved in OMIM 25117

NM_000431.4(MVK):c.79-62G>A

Gene: MVK (mevalonate kinase; plus strand). Cytogenetic location: 12q24.11.
Variant type: single nucleotide variant.
Coding change: c.79-62G>A on transcript NM_000431.4 (MANE Select); 62 bases into the intron before coding-DNA position 79, G replaced by A.
Molecular consequence: intron variant.
Genome position (GRCh38, 1-based): chr12:109,575,936, G>A. VCF-style: chr12-109575936-G-A. GRCh37 (hg19) VCF-style: chr12-110013741-G-A.
Other names: c.79-62G>A (NM_001301182.2, NM_001114185.3).
Identifiers: ClinVar variation 97624 (VCV000097624.1), dbSNP rs104895344, ClinGen allele CA149898.